The following is an entry in ClinVar:

NM_000384.3(APOB):c.816C>T (p.Tyr272=)

Gene: APOB (apolipoprotein B; minus strand). Cytogenetic location: 2p24.1.
Variant type: single nucleotide variant.
Coding change: c.816C>T on transcript NM_000384.3 (MANE Select); coding-DNA position 816, C replaced by T.
Protein change: p.Tyr272=; no amino-acid change (tyrosine 272 retained).
Molecular consequence: synonymous variant.
Genome position (GRCh38, 1-based): chr2:21,035,586, G>A on the plus strand (C>T on the coding strand, the complement: APOB is on the minus strand). VCF-style: chr2-21035586-G-A. GRCh37 (hg19) VCF-style: chr2-21258458-G-A.
Identifiers: ClinVar variation 3572078 (VCV003572078.1).

ClinVar aggregate classification (germline): Uncertain significance (1 of 4 stars; one submission).

gnomAD v4.1: 1 of 1,613,956 alleles (0.000062%); highest among the groups gnomAD compares: African/African-American, 0.0013%; no homozygotes.

Submission:

Quest Diagnostics Nichols Institute San Juan Capistrano
Classification: Uncertain significance. Last evaluated: 2023-11-30. Review status: criteria provided, single submitter. Criteria: Quest Diagnostics criteria. Collection method: clinical testing. Allele origin: unknown.
Comment: The APOB c.816C>T (p.Tyr272=) synonymous variant has not been reported in individuals with APOB-related conditions in the published literature. The frequency of this variant in the general population, 0.000062 (1/16254 chromosomes (Genome Aggregation Database)), is uninformative in the assessment of its pathogenicity. Analysis of this variant using software algorithms for the prediction of the effect of nucleotide changes on APOB mRNA splicing yielded inconclusive findings. Based on the available information, we are unable to determine the clinical significance of this variant.